The following is an entry in ClinVar:

ClinVar aggregate classification (germline): Uncertain significance (1 of 4 stars; one submission).

Conditions:
Autoimmune interstitial lung disease-arthritis syndrome. Also called: Autoinflammation and autoimmunity, systemic, with immune dysregulation. Identifiers: Orphanet 444092, MedGen C5975714, MONDO:0014629.

Allele frequency attached by ClinVar (database versions not stated): gnomAD exomes below 0.00001; TOPMed below 0.00001; ExAC 0.00002.
gnomAD v4.1: 2 of 1,614,162 alleles (0.00012%); highest among the groups gnomAD compares: Non-Finnish European, 0.00017%; no homozygotes.

Submission:

Labcorp Genetics (formerly Invitae), Labcorp
Classification: Uncertain significance for Autoimmune interstitial lung disease-arthritis syndrome. Last evaluated: 2025-10-29. Review status: criteria provided, single submitter. Criteria: Invitae Variant Classification Sherloc (09022015). Collection method: clinical testing. Allele origin: germline.
Comment: This sequence change replaces glutamic acid, which is acidic and polar, with glycine, which is neutral and non-polar, at codon 1149 of the COPA protein (p.Glu1149Gly). This variant is present in population databases (rs780116918, gnomAD 0.007%). This variant has not been reported in the literature in individuals affected with COPA-related conditions. ClinVar contains an entry for this variant (Variation ID: 3020046). Invitae Evidence Modeling of protein sequence and biophysical properties (such as structural, functional, and spatial information, amino acid conservation, physicochemical variation, residue mobility, and thermodynamic stability) indicates that this missense variant is not expected to disrupt COPA protein function with a negative predictive value of 80%. In summary, the available evidence is currently insufficient to determine the role of this variant in disease. Therefore, it has been classified as a Variant of Uncertain Significance.

NM_004371.4(COPA):c.3446A>G (p.Glu1149Gly)

Gene: COPA (coat protein complex I subunit alpha; minus strand). Cytogenetic location: 1q23.2.
Variant type: single nucleotide variant.
Coding change: c.3446A>G on transcript NM_004371.4 (MANE Select); coding-DNA position 3446, A replaced by G.
Protein change: p.Glu1149Gly; replaces glutamic acid 1149 with glycine.
Molecular consequence: missense variant.
Genome position (GRCh38, 1-based): chr1:160,290,661, T>C on the plus strand (A>G on the coding strand, the complement: COPA is on the minus strand). VCF-style: chr1-160290661-T-C. GRCh37 (hg19) VCF-style: chr1-160260451-T-C.
Other names: c.3473A>G, p.Glu1158Gly (NM_001098398.2); short protein forms E1149G, E1158G.
Identifiers: ClinVar variation 3020046 (VCV003020046.3), dbSNP rs780116918, ClinGen allele CA1197616.
Genomic context (GRCh38, chr1:160,290,661, plus strand): 5'-CAAATGTCAAAGGGGTTGTGCATGTCATAATTGAGCTGGTAGGCATCTGTGGGATTCTTC[T>C]CACAGGCAGACAGGATTTTTCGGGTCTAGGGGAAGGAAGGAGTATTTAGGAGGACAGAAG-3'
Protein context (NP_004362.2, residues 1139-1159): QQTRKILSAC[Glu1149Gly]KNPTDAYQLN